The following is an entry in ClinVar:

ClinVar aggregate classification (germline): Conflicting classifications of pathogenicity. Review status: criteria provided, conflicting classifications (1 of 4 stars). 4 submissions from 4 submitters: Uncertain significance (3); Likely benign (1). Last evaluated 2024-04-01.

Conditions:
Combined oxidative phosphorylation deficiency 44. Also called: FASTKD2-Related Combined Oxidative Phosphorylation Deficiency. Identifiers: MedGen C5394293, MONDO:0030020, OMIM 618855.
Inborn genetic diseases. Identifiers: MedGen C0950123, MeSH D030342.
Mitochondrial complex IV deficiency, nuclear type 1 (MC4DN1). Also called: COX DEFICIENCY; Mitochondrial complex IV deficiency; Complex 4 mitochondrial respiratory chain deficiency; Deficiency of mitochondrial respiratory chain complex4; Complex IV deficiency. Identifiers: MedGen C5435656, MONDO:0700250, OMIM 220110. Disease mechanism: loss of function.

Allele frequency attached by ClinVar (database versions not stated): ExAC 0.00003; gnomAD exomes 0.00004 and 0.00008; TOPMed 0.00006; ESP Exome Variant Server 0.00015.
gnomAD v4.1: 126 of 1,611,600 alleles (0.0078%); highest among the groups gnomAD compares: Non-Finnish European, 0.01%; no homozygotes.

Submissions (4):

Fulgent Genetics
Classification: Uncertain significance for Combined oxidative phosphorylation deficiency 44. Last evaluated: 2024-04-01. Review status: criteria provided, single submitter. Criteria: ACMG Guidelines, 2015. Collection method: clinical testing. Allele origin: germline.

Ambry Genetics
Classification: Uncertain significance for Inborn genetic diseases. Last evaluated: 2021-12-23. Review status: criteria provided, single submitter. Criteria: Ambry Variant Classification Scheme 2023. Collection method: clinical testing. Allele origin: germline.

Illumina Laboratory Services, Illumina
Classification: Uncertain significance for Mitochondrial complex IV deficiency, nuclear type 1. Last evaluated: 2018-01-12. Review status: criteria provided, single submitter. Criteria: ICSL Variant Classification Criteria 13 December 2019. Collection method: clinical testing. Allele origin: germline.

GeneDx
Classification: Likely benign. Last evaluated: 2014-06-09. Review status: criteria provided, single submitter. Criteria: GeneDx Variant Classification (06012015). Collection method: clinical testing. Allele origin: germline. Affected: yes.
Comment: This variant is considered likely benign or benign based on one or more of the following criteria: it is a conservative change, it occurs at a poorly conserved position in the protein, it is predicted to be benign by multiple in silico algorithms, and/or has population frequency not consistent with disease.

NM_001136193.2(FASTKD2):c.1295G>A (p.Arg432Gln)

Gene: FASTKD2 (FAST kinase domains 2; plus strand). Cytogenetic location: 2q33.3.
Variant type: single nucleotide variant.
Coding change: c.1295G>A on transcript NM_001136193.2 (MANE Select); coding-DNA position 1295, G replaced by A.
Protein change: p.Arg432Gln; replaces arginine 432 with glutamine.
Molecular consequence: missense variant.
Genome position (GRCh38, 1-based): chr2:206,774,265, G>A. VCF-style: chr2-206774265-G-A. GRCh37 (hg19) VCF-style: chr2-207638989-G-A.
Other names: p.R432Q:CGA>CAA; c.1295G>A, p.Arg432Gln (NM_001136194.2, NM_014929.4); short protein forms R432Q.
Identifiers: ClinVar variation 214349 (VCV000214349.8), dbSNP rs372022584, ClinGen allele CA324157.